The following is an entry in ClinVar:

ClinVar aggregate classification (germline): Conflicting classifications of pathogenicity. Review status: criteria provided, conflicting classifications (1 of 4 stars). 3 submissions from 3 submitters: Likely pathogenic (1); Uncertain significance (1). 1 of the submissions does not count toward it. Last evaluated 2024-05-07.

Conditions:
ALG8-related disorder.
ALG8 congenital disorder of glycosylation. Also called: CONGENITAL DISORDER OF GLYCOSYLATION, TYPE Ih; ALG8-CDG; CDG Ih. Identifiers: Orphanet 79325, MedGen C2931002, MONDO:0011969, OMIM 608104.
Polycystic liver disease 3 with or without kidney cysts. Identifiers: MedGen C4693472, MONDO:0054743, OMIM 617874.

Allele frequency attached by ClinVar (database versions not stated): gnomAD exomes below 0.00001; ExAC 0.00001.
gnomAD v4.1: 1 of 1,614,134 alleles (0.000062%); highest among the groups gnomAD compares: Non-Finnish European, 0.000085%; no homozygotes.

Submissions (3):

Fulgent Genetics
Classification: Uncertain significance for ALG8 congenital disorder of glycosylation; Polycystic liver disease 3 with or without kidney cysts. Last evaluated: 2024-05-07. Review status: criteria provided, single submitter. Criteria: ACMG Guidelines, 2015. Collection method: clinical testing. Allele origin: germline.

Medical Genetics, Christian Medical College
Classification: Likely pathogenic for ALG8 congenital disorder of glycosylation. Last evaluated: 2022-02-11. Review status: criteria provided, single submitter. Criteria: ACMG Guidelines, 2015. Collection method: clinical testing. Allele origin: germline. Inheritance: Autosomal recessive inheritance. Affected: yes. Observed: 1 homozygote.
Comment: This variant has not been reported in population databases. Previously reported in a patient affected with CDG1 and located to ER luminal domains results substitutions of strictly conserved amino acid, thereby probably disrupting the enzymatic center.

PreventionGenetics, part of Exact Sciences
Classification: Uncertain significance for ALG8-related condition. Last evaluated: 2024-05-06. Review status: no assertion criteria provided. Collection method: clinical testing. Allele origin: germline. Not counted in ClinVar's aggregate classification.
Comment: The ALG8 c.206C>T variant is predicted to result in the amino acid substitution p.Pro69Leu. This variant in the homozygous state has been reported in one individual with congenital disorders of glycosylation (Albokhari et al. 2022. PubMed ID: 35716054) and found in another study of congenital disorders of glycosylation, however, no phenotypic information of this individual was provided (Table S10, Haeuptle et al 2009. PubMed ID: 19862844). This variant is reported in 0.00088% of alleles in individuals of European (Non-Finnish) descent in gnomAD. This variant could be pathogenic. At this time, the clinical significance of this variant is uncertain due to the absence of conclusive functional and genetic evidence.

Literature cited by the submitters: PubMed 19862844 (cited by Medical Genetics, Christian Medical College).

NM_024079.5(ALG8):c.206C>T (p.Pro69Leu)

Gene: ALG8 (ALG8 alpha-1,3-glucosyltransferase; minus strand). Cytogenetic location: 11q14.1.
Variant type: single nucleotide variant.
Coding change: c.206C>T on transcript NM_024079.5 (MANE Select); coding-DNA position 206, C replaced by T.
Protein change: p.Pro69Leu; replaces proline 69 with leucine.
Molecular consequence: missense variant.
Genome position (GRCh38, 1-based): chr11:78,124,183, G>A on the plus strand (C>T on the coding strand, the complement: ALG8 is on the minus strand). VCF-style: chr11-78124183-G-A. GRCh37 (hg19) VCF-style: chr11-77835229-G-A.
Other names: p.Pro69Leu; c.206C>T (NM_024079.4); c.206C>T, p.Pro69Leu (NM_001007027.3); short protein forms P69L.
Identifiers: ClinVar variation 1341365 (VCV001341365.4), dbSNP rs748962880, ClinGen allele CA6203552.